The following is an entry in ClinVar:

NM_001367624.2(ZNF469):c.6190G>A (p.Glu2064Lys)

Gene: ZNF469 (zinc finger protein 469; plus strand). Cytogenetic location: 16q24.2.
Variant type: single nucleotide variant.
Coding change: c.6190G>A on transcript NM_001367624.2 (MANE Select); coding-DNA position 6190, G replaced by A.
Protein change: p.Glu2064Lys; replaces glutamic acid 2064 with lysine.
Molecular consequence: missense variant.
Genome position (GRCh38, 1-based): chr16:88,433,660, G>A. VCF-style: chr16-88433660-G-A. GRCh37 (hg19) VCF-style: chr16-88500068-G-A.
Other names: NM_001127464.1:c.6106G>A; short protein forms E2064K.
Identifiers: ClinVar variation 1479458 (VCV001479458.8), dbSNP rs1195523623, ClinGen allele CA397104606.

ClinVar aggregate classification (germline): Uncertain significance. Review status: criteria provided, multiple submitters, no conflicts (2 of 4 stars). 3 submissions from 3 submitters: Uncertain significance (3). Last evaluated 2025-05-02.

Conditions:
Cardiovascular phenotype. Identifiers: MedGen CN230736.

Allele frequency attached by ClinVar (database versions not stated): gnomAD exomes 0.00003 and 0.00002; TOPMed 0.00002; gnomAD 0.00003.
gnomAD v4.1: 38 of 1,550,032 alleles (0.0025%); highest among the groups gnomAD compares: Non-Finnish European, 0.0027%; no homozygotes.

Submissions (3):

Ambry Genetics
Classification: Uncertain significance for Cardiovascular phenotype. Last evaluated: 2025-05-02. Review status: criteria provided, single submitter. Criteria: Ambry Variant Classification Scheme 2023. Collection method: clinical testing. Allele origin: germline.
Comment: The p.E2036K variant (also known as c.6106G>A), located in coding exon 2 of the ZNF469 gene, results from a G to A substitution at nucleotide position 6106. The glutamic acid at codon 2036 is replaced by lysine, an amino acid with similar properties. This amino acid position is conserved. In addition, this alteration is predicted to be tolerated by in silico analysis. Since supporting evidence is limited at this time, the clinical significance of this alteration remains unclear.

GeneDx
Classification: Uncertain significance. Last evaluated: 2024-08-28. Review status: criteria provided, single submitter. Criteria: GeneDx Variant Classification Process June 2021. Collection method: clinical testing. Allele origin: germline. Affected: yes.
Comment: Not observed at significant frequency in large population cohorts (gnomAD); In silico analysis indicates that this missense variant does not alter protein structure/function; Has not been previously published as pathogenic or benign to our knowledge

Labcorp Genetics (formerly Invitae), Labcorp
Classification: Uncertain significance. Last evaluated: 2022-07-12. Review status: criteria provided, single submitter. Criteria: Invitae Variant Classification Sherloc (09022015). Collection method: clinical testing. Allele origin: germline.
Comment: This sequence change replaces glutamic acid, which is acidic and polar, with lysine, which is basic and polar, at codon 2036 of the ZNF469 protein (p.Glu2036Lys). This variant is present in population databases (no rsID available, gnomAD 0.007%). This variant has not been reported in the literature in individuals affected with ZNF469-related conditions. ClinVar contains an entry for this variant (Variation ID: 1479458). Algorithms developed to predict the effect of missense changes on protein structure and function output the following: SIFT: "Tolerated"; PolyPhen-2: "Benign"; Align-GVGD: "Class C0". The lysine amino acid residue is found in multiple mammalian species, which suggests that this missense change does not adversely affect protein function. In summary, the available evidence is currently insufficient to determine the role of this variant in disease. Therefore, it has been classified as a Variant of Uncertain Significance.